The following is an entry in ClinVar:

NM_000520.6(HEXA):c.759G>A (p.Val253=)

Gene: HEXA (hexosaminidase subunit alpha; minus strand). Cytogenetic location: 15q23.
Variant type: single nucleotide variant.
Coding change: c.759G>A on transcript NM_000520.6 (MANE Select); coding-DNA position 759, G replaced by A.
Protein change: p.Val253=; no amino-acid change (valine 253 retained).
Molecular consequence: synonymous variant. On other transcripts: non-coding transcript variant (1).
Genome position (GRCh38, 1-based): chr15:72,350,564, C>T on the plus strand (G>A on the coding strand, the complement: HEXA is on the minus strand). VCF-style: chr15-72350564-C-T. GRCh37 (hg19) VCF-style: chr15-72642905-C-T.
Other names: p.Val253=; c.792G>A, p.Val264= (NM_001318825.2).
Identifiers: ClinVar variation 256352 (VCV000256352.76), dbSNP rs117513345, ClinGen allele CA7644902.

ClinVar aggregate classification (germline): Benign/Likely benign. Review status: criteria provided, multiple submitters, no conflicts (2 of 4 stars). 14 submissions from 14 submitters: Benign (6); Likely benign (5). 3 of the submissions do not count toward it. Last evaluated 2026-08-01.

Conditions:
Inborn genetic diseases. Identifiers: MedGen C0950123, MeSH D030342.
Tay-Sachs disease (TSD). Also called: HEXA Disorders; HEXA DEFICIENCY; Hexosaminidase A Deficiency; GM2 gangliosidosis, type 1; Hexosaminidase alpha-subunit deficiency (variant B); Sphingolipidosis, Tay-Sachs. Identifiers: Orphanet 845, MedGen C0039373, MONDO:0010100, OMIM 272800.

Allele frequency attached by ClinVar (database versions not stated): 1000 Genomes Project 30x 0.00141; 1000 Genomes Project 0.00160; TOPMed 0.00389; gnomAD 0.00407 and 0.00412; ESP Exome Variant Server 0.00431; gnomAD exomes 0.00458 and 0.00511; ExAC 0.00473.

Submissions (14):

CeGaT Center for Human Genetics Tuebingen
Classification: Likely benign. Last evaluated: 2026-08-01. Review status: criteria provided, single submitter. Criteria: CeGaT Center For Human Genetics Tuebingen Variant Classification Criteria Version 2. Collection method: clinical testing. Allele origin: germline. Affected: yes. Observed: 38 variant alleles.
Comment: HEXA: BP4, BP7, BS2

Labcorp Genetics (formerly Invitae), Labcorp
Classification: Benign for Tay-Sachs disease. Last evaluated: 2026-02-04. Review status: criteria provided, single submitter. Criteria: Invitae Variant Classification Sherloc (09022015). Collection method: clinical testing. Allele origin: germline.

Mayo Clinic Laboratories, Mayo Clinic
Classification: Benign. Last evaluated: 2024-11-20. Review status: criteria provided, single submitter. Criteria: ACMG Guidelines, 2015. Collection method: clinical testing. Allele origin: germline. Observed: 29 variant alleles.
Comment: BS1, BS2, BP4, BP7

Blueprint Genetics
Classification: Likely benign. Last evaluated: 2024-11-19. Review status: criteria provided, single submitter. Criteria: ACMG Guidelines, 2015. Collection method: clinical testing. Allele origin: germline.

ARUP Laboratories, Molecular Genetics and Genomics, ARUP Laboratories
Classification: Benign. Last evaluated: 2023-09-12. Review status: criteria provided, single submitter. Criteria: ARUP Molecular Germline Variant Investigation Process 2024. Collection method: clinical testing. Allele origin: germline.

GeneDx
Classification: Benign. Last evaluated: 2021-04-30. Review status: criteria provided, single submitter. Criteria: GeneDx Variant Classification Process June 2021. Collection method: clinical testing. Allele origin: germline. Affected: yes.
Comment: This variant is associated with the following publications: (PMID: 19858779)

Women's Health and Genetics/Laboratory Corporation of America, LabCorp
Classification: Benign. Last evaluated: 2020-07-19. Review status: criteria provided, single submitter. Criteria: LabCorp Variant Classification Summary - May 2015. Collection method: clinical testing. Allele origin: germline.

Eurofins Ntd Llc (ga)
Classification: Benign. Last evaluated: 2016-05-16. Review status: criteria provided, single submitter. Criteria: EGL Classification Definitions 2015. Collection method: clinical testing. Allele origin: germline. Observed: 2 variant alleles, 2 heterozygotes.

Ambry Genetics
Classification: Likely benign for Inborn genetic diseases. Last evaluated: 2016-04-23. Review status: criteria provided, single submitter. Criteria: Ambry Variant Classification Scheme 2023. Collection method: clinical testing. Allele origin: germline.

PreventionGenetics, part of Exact Sciences
Classification: Likely benign. Last evaluated: 2016-04-05. Review status: criteria provided, single submitter. Criteria: ACMG Guidelines, 2015. Collection method: clinical testing. Allele origin: germline.

Breakthrough Genomics
Classification: Likely benign. Review status: criteria provided, single submitter. Criteria: ACMG Guidelines, 2015. Collection method: not provided. Allele origin: germline. Inheritance: Autosomal recessive inheritance. Affected: yes.

Natera, Inc.
Classification: Benign for Tay-Sachs disease. Last evaluated: 2017-05-25. Review status: no assertion criteria provided. Collection method: clinical testing. Allele origin: germline. Not counted in ClinVar's aggregate classification.

Clinical Genetics, Academic Medical Center
Classification: Benign. Review status: no assertion criteria provided. Collection method: clinical testing. Allele origin: germline. Affected: yes. Study: VKGL Data-share Consensus. Not counted in ClinVar's aggregate classification.

Diagnostic Laboratory, Department of Genetics, University Medical Center Groningen
Classification: Likely benign for Tay-Sachs disease. Review status: no assertion criteria provided. Collection method: clinical testing. Allele origin: germline. Affected: yes. Study: VKGL Data-share Consensus. Not counted in ClinVar's aggregate classification.

Literature cited by the submitters: PubMed 19858779 (cited by Mayo Clinic Laboratories, Mayo Clinic).